The following is an entry in ClinVar:

ClinVar aggregate classification (germline): Uncertain significance (1 of 4 stars; one submission).

Conditions:
Hereditary cancer-predisposing syndrome. Also called: Neoplastic Syndromes, Hereditary; Tumor predisposition; Hereditary neoplastic syndrome; Hereditary Cancer Syndrome. Identifiers: Orphanet 140162, MedGen C0027672, MeSH D009386, MONDO:0015356.

Submission:

Ambry Genetics
Classification: Uncertain significance for Hereditary cancer-predisposing syndrome. Last evaluated: 2026-07-07. Review status: criteria provided, single submitter. Criteria: Ambry Variant Classification Scheme 2023. Collection method: clinical testing. Allele origin: germline.
Comment: The p.D143A variant (also known as c.428A>C), located in coding exon 3 of the PRKAR1A gene, results from an A to C substitution at nucleotide position 428. The aspartic acid at codon 143 is replaced by alanine, an amino acid with dissimilar properties. This amino acid position is conserved. In addition, this alteration is predicted to be deleterious by in silico analysis. Based on the available evidence, the clinical significance of this variant remains unclear.

NM_002734.5(PRKAR1A):c.428A>C (p.Asp143Ala)

Gene: PRKAR1A (protein kinase cAMP-dependent type I regulatory subunit alpha; plus strand). Cytogenetic location: 17q24.2.
Variant type: single nucleotide variant.
Coding change: c.428A>C on transcript NM_002734.5 (MANE Select); coding-DNA position 428, A replaced by C.
Protein change: p.Asp143Ala; replaces aspartic acid 143 with alanine.
Molecular consequence: missense variant.
Genome position (GRCh38, 1-based): chr17:68,523,804, A>C. VCF-style: chr17-68523804-A-C. GRCh37 (hg19) VCF-style: chr17-66519945-A-C.
Other names: c.428A>C, p.Asp143Ala (NM_001276289.2, NM_001276290.1, NM_001278433.2 and 4 more transcripts); short protein forms D143A.
Identifiers: ClinVar variation 5027333 (VCV005027333.1).